The following is an entry in ClinVar:

ClinVar aggregate classification (germline): Likely pathogenic (1 of 4 stars; one submission).

Submission:

Labcorp Genetics (formerly Invitae), Labcorp
Classification: Likely pathogenic. Last evaluated: 2023-02-21. Review status: criteria provided, single submitter. Criteria: Invitae Variant Classification Sherloc (09022015). Collection method: clinical testing. Allele origin: unknown.
Comment: This variant results in a copy number gain of the genomic region encompassing exon(s) 2-4 of the RTN4IP1 gene. While the exact position of this variant cannot be determined from the data, sub-genic copy number gains are generally in tandem (PMID: 25640679). This variant is predicted to be out-of-frame, and may result in an absent or disrupted protein product. Loss-of-function variants in RTN4IP1 are known to be pathogenic (PMID: 26593267). This variant has not been reported in the literature in individuals affected with RTN4IP1-related conditions. In summary, the currently available evidence indicates that the variant is pathogenic, but additional data are needed to prove that conclusively. Therefore, this variant has been classified as Likely Pathogenic.

Literature cited by the submitters: PubMed 25640679; PubMed 26593267.

NC_000006.11:g.(?_107067057)_(107070864_?)dup

Gene: RTN4IP1 (reticulon 4 interacting protein 1; minus strand). Cytogenetic location: 6q21.
Variant type: Duplication.
Identifiers: ClinVar variation 3246240 (VCV003246240.1).